The following is an entry in ClinVar:

NM_014365.3(HSPB8):c.423G>T (p.Lys141Asn)

Gene: HSPB8 (heat shock protein family B (small) member 8; plus strand). Cytogenetic location: 12q24.23.
Variant type: single nucleotide variant.
Coding change: c.423G>T on transcript NM_014365.3 (MANE Select); coding-DNA position 423, G replaced by T.
Protein change: p.Lys141Asn; replaces lysine 141 with asparagine.
Molecular consequence: missense variant.
Genome position (GRCh38, 1-based): chr12:119,187,080, G>T. VCF-style: chr12-119187080-G-T. GRCh37 (hg19) VCF-style: chr12-119624885-G-T.
Other names: HSPB8, 423G-T, LYS141ASN; K141N.
Identifiers: ClinVar variation 2619 (VCV000002619.5), dbSNP rs104894345, ClinGen allele CA252366.

ClinVar aggregate classification (germline): Pathogenic. Review status: criteria provided, single submitter (1 of 4 stars). 3 submissions from 3 submitters: Pathogenic (1). 2 of the submissions do not count toward it. Last evaluated 2022-04-06.

Conditions:
Charcot-Marie-Tooth disease. Also called: Charcot-Marie-Tooth Neuropathy; Charcot-Marie-Tooth Hereditary Neuropathy. Identifiers: Orphanet 166, MedGen C0007959, MONDO:0015626.
Charcot-Marie-Tooth disease axonal type 2L. Also called: CHARCOT-MARIE-TOOTH DISEASE, AXONAL, AUTOSOMAL DOMINANT, TYPE 2L; CHARCOT-MARIE-TOOTH NEUROPATHY, AXONAL, TYPE 2L; Charcot-Marie-Tooth Neuropathy Type 2L. Identifiers: Orphanet 99945, MedGen C1837552, MONDO:0012096, OMIM 608673.

Submissions (3):

Athena Diagnostics
Classification: Pathogenic. Last evaluated: 2022-04-06. Review status: criteria provided, single submitter. Criteria: Athena Diagnostics Criteria. Collection method: clinical testing. Allele origin: unknown.
Comment: This variant has not been reported in large, multi-ethnic general populations. This variant segregates with Charcot-Marie-Tooth disease in at least one family. Assessment of experimental evidence suggests this variant results in abnormal protein function. Knock-in mice displayed a phenotype similar to Charcot-Marie-Tooth disease (PMID: 25206829, 28780615). Additionally, motor neurons expressing this variant exhibited neurite degeneration (PMID: 20538880). Further studies also showed that this variant leads to decreased binding to BAG3 (PMID: 20858900), but increased binding to HSPB1 and the formation of intracellular aggregates (PMID: 15122253, 20157854).

OMIM
Classification: Pathogenic for CHARCOT-MARIE-TOOTH DISEASE, AXONAL, TYPE 2L. Last evaluated: 2005-02-01. Review status: no assertion criteria provided. Collection method: literature only. Allele origin: germline. Not counted in ClinVar's aggregate classification.

Inherited Neuropathy Consortium
Classification: Uncertain significance for Charcot-Marie-Tooth disease. Review status: no assertion criteria provided. Collection method: literature only. Allele origin: germline. Affected: yes. Not counted in ClinVar's aggregate classification.

Literature cited by the submitters: PubMed 15565283 (cited by 3 submitters); PubMed 15021985 (cited by Athena Diagnostics and OMIM); PubMed 20538880 (cited by Athena Diagnostics); PubMed 20157854 (cited by Athena Diagnostics); PubMed 28747872 (cited by Athena Diagnostics); PubMed 28780615 (cited by Athena Diagnostics); PubMed 23389032 (cited by Athena Diagnostics); PubMed 25206829 (cited by Athena Diagnostics); PubMed 20858900 (cited by Athena Diagnostics); PubMed 21985219 (cited by Athena Diagnostics); PubMed 15122253 (cited by Athena Diagnostics).